The following is an entry in ClinVar:

NM_006280.3(SSR4):c.67+2T>C

Gene: SSR4 (signal sequence receptor subunit 4; plus strand). Cytogenetic location: Xq28.
Variant type: single nucleotide variant.
Coding change: c.67+2T>C on transcript NM_006280.3 (MANE Select); the canonical splice donor site of the intron after coding-DNA position 67, T replaced by C.
Molecular consequence: splice donor variant.
Genome position (GRCh38, 1-based): chrX:153,794,756, T>C. VCF-style: chrX-153794756-T-C. GRCh37 (hg19) VCF-style: chrX-153060211-T-C.
Other names: NC_000023.10:g.153060211T>C; c.67+2T>C (NM_001440796.1); c.148+2T>C (NM_001440795.1); c.91+2T>C (NM_001204527.2); c.100+2T>C (NM_001204526.2).
Identifiers: ClinVar variation 2347022 (VCV002347022.4), dbSNP rs2520495803, ClinGen allele CA415184926.

ClinVar aggregate classification (germline): Likely pathogenic (1 of 4 stars; one submission).

Conditions:
Inborn genetic diseases. Identifiers: MedGen C0950123, MeSH D030342.

Submissions (2):

Ambry Genetics
Classification: Likely pathogenic for Inborn genetic diseases. Last evaluated: 2026-02-02. Review status: criteria provided, single submitter. Criteria: Ambry Variant Classification Scheme 2023. Collection method: clinical testing. Allele origin: germline.
Comment: The c.100+2T>C intronic variant results from a T to C substitution two nucleotides after coding exon 2 of the SSR4 gene. Alterations that disrupt the canonical splice site are expected to result in aberrant splicing. This variant was not reported in population-based cohorts in the Genome Aggregation Database (gnomAD). This variant was reported in individuals from a family with features consistent with SSR4-related congenital disorder of glycosylation (Wang, 2025). Note, this variant is also referred to as c.67+2T>C (NM_006280.3) in the literature. This nucleotide position is well conserved in available vertebrate species. RNA studies have demonstrated that this alteration results in abnormal splicing (Wang, 2025). In silico splice site analysis predicts that this alteration will weaken the native splice donor site and will result in the creation or strengthening of a novel splice donor site. Based on the available evidence, this alteration is classified as likely pathogenic.

Dr. Peter K. Rogan Lab, Western University
No classification provided (evidence only). Condition: Ovarian serous cystadenocarcinoma. Review status: no classification provided. Collection method: in vitro. Allele origin: not applicable. Functional consequence: retained intron. Not counted in ClinVar's aggregate classification.

Literature cited by the submitters: PubMed 39653760 (cited by Ambry Genetics).